The following is an entry in ClinVar:

ClinVar aggregate classification (germline): Pathogenic/Likely pathogenic. Review status: criteria provided, multiple submitters, no conflicts (2 of 4 stars). 7 submissions from 7 submitters: Pathogenic (1); Likely pathogenic (4). 2 of the submissions do not count toward it. Last evaluated 2025-12-27.

Conditions:
Xanthinuria type II. Also called: Xanthine dehydrogenase and aldehyde oxidase combined deficiency of; XDH and AOX dual deficiency. Identifiers: Orphanet 3467, Orphanet 93602, MedGen C1863688, MONDO:0011346, OMIM 603592.
MOCOS-related disorder. Also called: MOCOS-related condition.
Autism spectrum disorder. Also called: Autism spectrum disorders. Identifiers: MedGen C1510586, MeSH D000067877, MONDO:0005258.

Allele frequency attached by ClinVar (database versions not stated): TOPMed below 0.00001; gnomAD 0.00001; gnomAD exomes 0.00004; ExAC 0.00005.
gnomAD v4.1: 41 of 1,614,020 alleles (0.0025%); highest among the groups gnomAD compares: Middle Eastern, 0.033%; no homozygotes.

Submissions (7):

Labcorp Genetics (formerly Invitae), Labcorp
Classification: Pathogenic for Xanthinuria type II. Last evaluated: 2025-12-27. Review status: criteria provided, single submitter. Criteria: Invitae Variant Classification Sherloc (09022015). Collection method: clinical testing. Allele origin: germline.
Comment: This sequence change replaces arginine, which is basic and polar, with cysteine, which is neutral and slightly polar, at codon 776 of the MOCOS protein (p.Arg776Cys). This variant is present in population databases (rs750896617, gnomAD 0.006%). This missense change has been observed in individuals with xanthinuria (PMID: 17368066). It has also been observed to segregate with disease in related individuals. ClinVar contains an entry for this variant (Variation ID: 253162). Invitae Evidence Modeling of protein sequence and biophysical properties (such as structural, functional, and spatial information, amino acid conservation, physicochemical variation, residue mobility, and thermodynamic stability) indicates that this missense variant is expected to disrupt MOCOS protein function with a positive predictive value of 80%. Experimental studies have shown that this missense change affects MOCOS function (PMID: 34356852). For these reasons, this variant has been classified as Pathogenic.

Blueprint Genetics
Classification: Likely pathogenic for MOCOS-related disorders. Last evaluated: 2024-06-26. Review status: criteria provided, single submitter. Criteria: ACMG Guidelines, 2015. Collection method: clinical testing. Allele origin: germline. Affected: yes. Observed: 5 variant alleles.

Genomic Medicine Center of Excellence, King Faisal Specialist Hospital and Research Centre
Classification: Likely pathogenic for Xanthinuria type II. Last evaluated: 2024-04-04. Review status: criteria provided, single submitter. Criteria: ACMG Guidelines, 2015. Collection method: clinical testing. Allele origin: germline.

Fulgent Genetics
Classification: Likely pathogenic for Xanthinuria type II. Last evaluated: 2024-01-25. Review status: criteria provided, single submitter. Criteria: ACMG Guidelines, 2015. Collection method: clinical testing. Allele origin: germline.

Revvity Omics, Revvity
Classification: Likely pathogenic for Xanthinuria type II. Last evaluated: 2019-11-17. Review status: criteria provided, single submitter. Criteria: ACMG Guidelines, 2015. Collection method: clinical testing. Allele origin: germline.

Gene Friend Way, National Innovation Center
Classification: Pathogenic for Autism spectrum disorder. Last evaluated: 2023-07-28. Review status: no assertion criteria provided. Collection method: clinical testing. Allele origin: unknown. Affected: yes. Observed: 2 variant alleles. Not counted in ClinVar's aggregate classification.
Comment: Missense mutation in gene that has been shown to be linked to type II classical xanthinuria (PMID 17368066). Impaired expression of the MOCOS gene unit have been seen in ASD patient stem cells (PMID: 32327736). MOCOS polymorphism is associated with increased risk of autism spectrum disorder (PMID: 31900757). Altered MOCOS expression lead to abnormal neurodevelopment and neurotransmission, which associated with ASD (PMID: 26239292). In our study, two children diagnosed with autism spectrum disorder are carriers of this mutation.

OMIM
Classification: Pathogenic for XANTHINURIA, TYPE II. Last evaluated: 2016-07-27. Review status: no assertion criteria provided. Collection method: literature only. Allele origin: germline. Not counted in ClinVar's aggregate classification.

Literature cited by the submitters: PubMed 17368066 (cited by Labcorp Genetics (formerly Invitae), Labcorp and OMIM); PubMed 34356852 (cited by Labcorp Genetics (formerly Invitae), Labcorp).

NM_017947.4(MOCOS):c.2326C>T (p.Arg776Cys)

Gene: MOCOS (molybdenum cofactor sulfurase; plus strand). Cytogenetic location: 18q12.2.
Variant type: single nucleotide variant.
Coding change: c.2326C>T on transcript NM_017947.4 (MANE Select); coding-DNA position 2326, C replaced by T.
Protein change: p.Arg776Cys; replaces arginine 776 with cysteine.
Molecular consequence: missense variant.
Genome position (GRCh38, 1-based): chr18:36,260,092, C>T. VCF-style: chr18-36260092-C-T. GRCh37 (hg19) VCF-style: chr18-33840055-C-T.
Other names: short protein forms R776C.
Identifiers: ClinVar variation 253162 (VCV000253162.11), dbSNP rs750896617, ClinGen allele CA8941021.